The following is an entry in ClinVar:

ClinVar aggregate classification (germline): Conflicting classifications of pathogenicity. Review status: criteria provided, conflicting classifications (1 of 4 stars). 2 submissions from 2 submitters: Likely pathogenic (1); Uncertain significance (1). Last evaluated 2025-05-14.

Conditions:
Ovarian cancer. Also called: OVARIAN CANCER, SOMATIC. Identifiers: Orphanet 213500, MedGen C1140680, MONDO:0008170, OMIM 167000.
Hereditary pheochromocytoma and paraganglioma. Also called: Hereditary paragangliomas and pheochromocytomas; Hereditary Paraganglioma-Pheochromocytoma Syndromes; Hereditary pheochromocytoma-paraganglioma. Identifiers: Orphanet 29072, MedGen C4274332, MONDO:0017366.

Submissions (2):

Labcorp Genetics (formerly Invitae), Labcorp
Classification: Uncertain significance for Hereditary pheochromocytoma and paraganglioma. Last evaluated: 2025-05-14. Review status: criteria provided, single submitter. Criteria: Invitae Variant Classification Sherloc (09022015). Collection method: clinical testing. Allele origin: germline.
Comment: This sequence change replaces leucine, which is neutral and non-polar, with proline, which is neutral and non-polar, at codon 80 of the TMEM127 protein (p.Leu80Pro). This variant is not present in population databases (gnomAD no frequency). This variant has not been reported in the literature in individuals affected with TMEM127-related conditions. ClinVar contains an entry for this variant (Variation ID: 2445400). An algorithm developed to predict the effect of missense changes on protein structure and function (PolyPhen-2) suggests that this variant is likely to be tolerated. In summary, the available evidence is currently insufficient to determine the role of this variant in disease. Therefore, it has been classified as a Variant of Uncertain Significance.

Laboratory of Molecular Epidemiology of Birth Defects, West China Second University Hospital, Sichuan University
Classification: Likely pathogenic for Ovarian cancer. Last evaluated: 2022-01-01. Review status: criteria provided, single submitter. Criteria: ACMG Guidelines, 2015. Collection method: clinical testing. Allele origin: germline. Affected: yes.

NM_017849.4(TMEM127):c.239T>C (p.Leu80Pro)

Gene: TMEM127 (transmembrane protein 127; minus strand). Cytogenetic location: 2q11.2.
Variant type: single nucleotide variant.
Coding change: c.239T>C on transcript NM_017849.4 (MANE Select); coding-DNA position 239, T replaced by C.
Protein change: p.Leu80Pro; replaces leucine 80 with proline.
Molecular consequence: missense variant.
Genome position (GRCh38, 1-based): chr2:96,265,143, A>G on the plus strand (T>C on the coding strand, the complement: TMEM127 is on the minus strand). VCF-style: chr2-96265143-A-G. GRCh37 (hg19) VCF-style: chr2-96930881-A-G.
Other names: c.239T>C, p.Leu80Pro (NM_001193304.3); short protein forms L80P.
Identifiers: ClinVar variation 2445400 (VCV002445400.3), dbSNP rs2467284893, ClinGen allele CA347655836.